The following is an entry in ClinVar:

NM_001365068.1(ASTN2):c.1147A>C (p.Lys383Gln)

Gene: ASTN2 (astrotactin 2; minus strand). Cytogenetic location: 9q33.1.
Variant type: single nucleotide variant.
Coding change: c.1147A>C on transcript NM_001365068.1 (MANE Select); coding-DNA position 1147, A replaced by C.
Protein change: p.Lys383Gln; replaces lysine 383 with glutamine.
Molecular consequence: missense variant. On other transcripts: intron variant (1).
Genome position (GRCh38, 1-based): chr9:117,141,347, T>G on the plus strand (A>C on the coding strand, the complement: ASTN2 is on the minus strand). VCF-style: chr9-117141347-T-G. GRCh37 (hg19) VCF-style: chr9-119903626-T-G.
Other names: c.1147A>C, p.Lys383Gln (NM_001365069.1); c.1016-45196A>C (NM_014010.5); short protein forms K383Q.
Identifiers: ClinVar variation 3049844 (VCV003049844.2), dbSNP rs142522638, ClinGen allele CA5211789.
Genomic context (GRCh38, chr9:117,141,347, plus strand): 5'-CCTTCTGACTTCCTGGCCAGATGTGCCAGGAGGGCCTACCTCGAGACTTGCTCCTCCGCT[T>G]CCTCTTCCCTGCCGATGTGCTGCGCAGGGGTGGTTGCAGCTGACCGATCTCGATGGGCGT-3'
Protein context (NP_001351997.1, residues 373-393): PLRSTSAGKR[Lys383Gln]RRSKSRGGIS

ClinVar aggregate classification (germline): Likely benign (0 of 4 stars; one submission).

Conditions:
ASTN2-related disorder. Also called: ASTN2-related condition.

Allele frequency attached by ClinVar (database versions not stated): gnomAD 0.00067; 1000 Genomes Project 30x 0.00297; TOPMed 0.00046; ExAC 0.00063; 1000 Genomes Project 0.00280; ESP Exome Variant Server 0.00031; gnomAD exomes 0.00027.
gnomAD v4.1: 519 of 1,367,340 alleles (0.038%); highest among the groups gnomAD compares: East Asian, 0.47%; 5 homozygotes.

Submission:

PreventionGenetics, part of Exact Sciences
Classification: Likely benign for ASTN2-related condition. Last evaluated: 2019-07-10. Review status: no assertion criteria provided. Collection method: clinical testing. Allele origin: germline.
Comment: This variant is classified as likely benign based on ACMG/AMP sequence variant interpretation guidelines (Richards et al. 2015 PMID: 25741868, with internal and published modifications).